The following is an entry in ClinVar:

NM_001378452.1(ITPR1):c.466A>G (p.Asn156Asp)

Gene: ITPR1 (inositol 1,4,5-trisphosphate receptor type 1; plus strand). Cytogenetic location: 3p26.1.
Variant type: single nucleotide variant.
Coding change: c.466A>G on transcript NM_001378452.1 (MANE Select); coding-DNA position 466, A replaced by G.
Protein change: p.Asn156Asp; replaces asparagine 156 with aspartic acid.
Molecular consequence: missense variant.
Genome position (GRCh38, 1-based): chr3:4,642,192, A>G. VCF-style: chr3-4642192-A-G. GRCh37 (hg19) VCF-style: chr3-4683876-A-G.
Other names: c.466A>G, p.Asn156Asp (NM_001099952.4, NM_001168272.2, NM_002222.7); short protein forms N156D.
Identifiers: ClinVar variation 1960641 (VCV001960641.5), dbSNP rs1406806479, ClinGen allele CA351634461.

ClinVar aggregate classification (germline): Uncertain significance (1 of 4 stars; one submission).

Submission:

Labcorp Genetics (formerly Invitae), Labcorp
Classification: Uncertain significance. Last evaluated: 2022-02-19. Review status: criteria provided, single submitter. Criteria: Invitae Variant Classification Sherloc (09022015). Collection method: clinical testing. Allele origin: germline.
Comment: This sequence change replaces asparagine, which is neutral and polar, with aspartic acid, which is acidic and polar, at codon 156 of the ITPR1 protein (p.Asn156Asp). In summary, the available evidence is currently insufficient to determine the role of this variant in disease. Therefore, it has been classified as a Variant of Uncertain Significance. Algorithms developed to predict the effect of missense changes on protein structure and function are either unavailable or do not agree on the potential impact of this missense change (SIFT: "Deleterious"; PolyPhen-2: "Probably Damaging"; Align-GVGD: "Class C0"). This variant has not been reported in the literature in individuals affected with ITPR1-related conditions. This variant is not present in population databases (gnomAD no frequency).